The following is an entry in ClinVar:

NM_080425.4(GNAS):c.813C>T (p.Asn271=)

Gene: GNAS (GNAS complex locus; plus strand). Cytogenetic location: 20q13.32.
Variant type: single nucleotide variant.
Coding change: c.813C>T on transcript NM_080425.4 (MANE Plus Clinical); coding-DNA position 813, C replaced by T.
Protein change: p.Asn271=; no amino-acid change (asparagine 271 retained).
Molecular consequence: synonymous variant. On other transcripts: missense variant (2), intron variant (3).
Genome position (GRCh38, 1-based): chr20:58,854,078, C>T. VCF-style: chr20-58854078-C-T. GRCh37 (hg19) VCF-style: chr20-57429133-C-T.
Other names: c.626C>T, p.Thr209Met (NM_001309883.1, NM_001077490.3); c.813C>T, p.Asn271= (NM_001410913.1); c.*42+13192C>T (NM_016592.5); c.43+13192C>T (NM_001410912.1); c.-39+12203C>T (NM_001309861.2); short protein forms T209M.
Identifiers: ClinVar variation 3351801 (VCV003351801.2).

ClinVar aggregate classification (germline): Uncertain significance (1 of 4 stars; one submission).

Conditions:
GNAS-related disorder. Identifiers: MedGen CN380105.

gnomAD v4.1: 21 of 1,611,896 alleles (0.0013%); highest among the groups gnomAD compares: Admixed American, 0.0033%; no homozygotes.

Submission:

PreventionGenetics, part of Exact Sciences
Classification: Uncertain significance for GNAS-related condition. Last evaluated: 2024-11-11. Review status: criteria provided, single submitter. Criteria: ACMG Guidelines, 2015. Collection method: clinical testing. Allele origin: germline.
Comment: The GNAS c.626C>T variant is predicted to result in the amino acid substitution p.Thr209Met. Of note, this variant is referred to as c.-37649C>T (Pre-Coding) in the more commonly reported transcript NM_000516.5. To our knowledge, this variant has not been reported in the literature. This variant is reported in 0.0029% of alleles in individuals of Latino descent in gnomAD. At this time, the clinical significance of this variant is uncertain due to the absence of conclusive functional and genetic evidence.